The following is an entry in ClinVar:

NM_001853.4(COL9A3):c.394C>A (p.Pro132Thr)

Gene: COL9A3 (collagen type IX alpha 3 chain; plus strand). Cytogenetic location: 20q13.33.
Variant type: single nucleotide variant.
Coding change: c.394C>A on transcript NM_001853.4 (MANE Select); coding-DNA position 394, C replaced by A.
Protein change: p.Pro132Thr; replaces proline 132 with threonine.
Molecular consequence: missense variant.
Genome position (GRCh38, 1-based): chr20:62,821,781, C>A. VCF-style: chr20-62821781-C-A. GRCh37 (hg19) VCF-style: chr20-61453133-C-A.
Other names: short protein forms P132T.
Identifiers: ClinVar variation 3637710 (VCV003637710.2).
Genomic context (GRCh38, chr20:62,821,781, plus strand): 5'-GTGCAGACCTCCCCACCTCTCTTTACTTCCCTCCAGGGAGAGGCAGGAGTGAGCGGCCCC[C>A]CAGGTGGGATCGGCCTCCGCGGCCCCCCGGTGAGTGGCTGTCCCAGAGCCCCTCAGAGTG-3'
Protein context (NP_001844.3, residues 122-142): PPGEAGVSGP[Pro132Thr]GGIGLRGPPG

ClinVar aggregate classification (germline): Uncertain significance (1 of 4 stars; one submission).

Submission:

Labcorp Genetics (formerly Invitae), Labcorp
Classification: Uncertain significance. Last evaluated: 2024-08-20. Review status: criteria provided, single submitter. Criteria: Invitae Variant Classification Sherloc (09022015). Collection method: clinical testing. Allele origin: germline.
Comment: This sequence change replaces proline, which is neutral and non-polar, with threonine, which is neutral and polar, at codon 132 of the COL9A3 protein (p.Pro132Thr). This variant is not present in population databases (gnomAD no frequency). This variant has not been reported in the literature in individuals affected with COL9A3-related conditions. Invitae Evidence Modeling of protein sequence and biophysical properties (such as structural, functional, and spatial information, amino acid conservation, physicochemical variation, residue mobility, and thermodynamic stability) indicates that this missense variant is not expected to disrupt COL9A3 protein function with a negative predictive value of 95%. In summary, the available evidence is currently insufficient to determine the role of this variant in disease. Therefore, it has been classified as a Variant of Uncertain Significance.